The following is an entry in ClinVar:

ClinVar aggregate classification (germline): Pathogenic (1 of 4 stars; one submission).

Submission:

GeneDx
Classification: Pathogenic. Last evaluated: 2025-02-27. Review status: criteria provided, single submitter. Criteria: GeneDx Variant Classification Process June 2021. Collection method: clinical testing. Allele origin: germline. Affected: yes.
Comment: Nonsense variant predicted to result in protein truncation or nonsense mediated decay in a gene for which loss of function is a known mechanism of disease; Not observed at significant frequency in large population cohorts (gnomAD); This variant is associated with the following publications: (PMID: 25525159, 8533800)

NM_181458.4(PAX3):c.703G>T (p.Glu235Ter)

Gene: PAX3 (paired box 3; minus strand). Cytogenetic location: 2q36.1.
Variant type: single nucleotide variant.
Coding change: c.703G>T on transcript NM_181458.4 (MANE Select); coding-DNA position 703, G replaced by T.
Protein change: p.Glu235Ter; replaces glutamic acid 235 with a stop codon.
Molecular consequence: nonsense.
Genome position (GRCh38, 1-based): chr2:222,232,167, C>A on the plus strand (G>T on the coding strand, the complement: PAX3 is on the minus strand). VCF-style: chr2-222232167-C-A. GRCh37 (hg19) VCF-style: chr2-223096886-C-A.
Other names: c.700G>T, p.Glu234Ter (NM_001127366.3); c.703G>T, p.Glu235Ter (NM_181457.4, NM_181459.4, NM_181460.4 and 1 more transcripts); short protein forms E234*, E235*.
Identifiers: ClinVar variation 4077369 (VCV004077369.1).
Genomic context (GRCh38, chr2:222,232,167, plus strand): 5'-TCTGGGCCAGTTCCTCCCTAGTATAAATGTCAGGGTAATGAGTTCTCTCAAAAGCACGCT[C>A]CAGTTCCTCCAGCTGTTCTGCTGTGAAGGTGGTTCGGCTTCTGCGCTGTTTCCTCTTTAG-3'